The following is an entry in ClinVar:

ClinVar aggregate classification (germline): Uncertain significance (1 of 4 stars; one submission).

Submission:

Labcorp Genetics (formerly Invitae), Labcorp
Classification: Uncertain significance. Last evaluated: 2022-06-09. Review status: criteria provided, single submitter. Criteria: Invitae Variant Classification Sherloc (09022015). Collection method: clinical testing. Allele origin: germline.
Comment: In summary, the available evidence is currently insufficient to determine the role of this variant in disease. Therefore, it has been classified as a Variant of Uncertain Significance. Advanced modeling of protein sequence and biophysical properties (such as structural, functional, and spatial information, amino acid conservation, physicochemical variation, residue mobility, and thermodynamic stability) performed at Invitae indicates that this missense variant is not expected to disrupt COL2A1 protein function. This variant has not been reported in the literature in individuals affected with COL2A1-related conditions. This variant is not present in population databases (gnomAD no frequency). This sequence change replaces proline, which is neutral and non-polar, with alanine, which is neutral and non-polar, at codon 919 of the COL2A1 protein (p.Pro919Ala).

NM_001844.5(COL2A1):c.2755C>G (p.Pro919Ala)

Gene: COL2A1 (collagen type II alpha 1 chain; minus strand). Cytogenetic location: 12q13.11.
Variant type: single nucleotide variant.
Coding change: c.2755C>G on transcript NM_001844.5 (MANE Select); coding-DNA position 2755, C replaced by G.
Protein change: p.Pro919Ala; replaces proline 919 with alanine.
Molecular consequence: missense variant.
Genome position (GRCh38, 1-based): chr12:47,978,737, G>C on the plus strand (C>G on the coding strand, the complement: COL2A1 is on the minus strand). VCF-style: chr12-47978737-G-C. GRCh37 (hg19) VCF-style: chr12-48372520-G-C.
Other names: c.2548C>G, p.Pro850Ala (NM_033150.3); short protein forms P919A, P850A.
Identifiers: ClinVar variation 2004016 (VCV002004016.4), dbSNP rs1178264170, ClinGen allele CA384543386.
Genomic context (GRCh38, chr12:47,978,737, plus strand): 5'-CAGGGGGGCCGCTGTCTCCTCGAGCACCTTTGGGACCATCTTTTCCAGAAGGACCAGGGG[G>C]ACCAGGGGGTCCAGGGTTGCCCTAGAAGGAGAAAATGCGGGAAGTGAGGACTCATCTCAC-3'
Protein context (NP_001835.3, residues 909-929): GSNGNPGPPG[Pro919Ala]PGPSGKDGPK